The following is an entry in ClinVar:

ClinVar aggregate classification (germline): Uncertain significance (1 of 4 stars; one submission).

Allele frequency attached by ClinVar (database versions not stated): gnomAD exomes below 0.00001.
gnomAD v4.1: 1 of 1,587,424 alleles (0.000063%); highest among the groups gnomAD compares: South Asian, 0.0011%; no homozygotes.

Submission:

GeneDx
Classification: Uncertain significance. Last evaluated: 2020-02-19. Review status: criteria provided, single submitter. Criteria: GeneDx Variant Classification Process June 2021. Collection method: clinical testing. Allele origin: germline. Affected: yes.
Comment: In silico analysis supports that this missense variant has a deleterious effect on protein structure/function; Has not been previously published as pathogenic or benign to our knowledge

NM_001999.4(FBN2):c.2296G>A (p.Gly766Arg)

Gene: FBN2 (fibrillin 2; minus strand). Cytogenetic location: 5q23.3.
Variant type: single nucleotide variant.
Coding change: c.2296G>A on transcript NM_001999.4 (MANE Select); coding-DNA position 2296, G replaced by A.
Protein change: p.Gly766Arg; replaces glycine 766 with arginine.
Molecular consequence: missense variant.
Genome position (GRCh38, 1-based): chr5:128,366,383, C>T on the plus strand (G>A on the coding strand, the complement: FBN2 is on the minus strand). VCF-style: chr5-128366383-C-T. GRCh37 (hg19) VCF-style: chr5-127702076-C-T.
Other names: short protein forms G766R.
Identifiers: ClinVar variation 1315076 (VCV001315076.2), dbSNP rs1393754058, ClinGen allele CA360768508.
Genomic context (GRCh38, chr5:128,366,383, plus strand): 5'-AGCTATACGATTATGTCACGTGATTATTATAAAGTTGAGATTAACTAGAGTTACCTCTTC[C>T]ATCCACAGTGATACCTACTCCACTACTACAAAGGCCGTGGAATTCAGCTGTATGACAAAA-3'
Protein context (NP_001990.2, residues 756-776): CSSGVGITVD[Gly766Arg]RDINECALDP